The following is an entry in ClinVar:

ClinVar aggregate classification (germline): Conflicting classifications of pathogenicity. Review status: criteria provided, conflicting classifications (1 of 4 stars). 2 submissions from 2 submitters: Uncertain significance (1); Benign (1). Last evaluated 2024-03-01.

Conditions:
Oculopharyngodistal myopathy 1 (OPDM1). Also called: FACIOOCULOLARYNGOPHARYNGEAL MYOPATHY WITH DISTAL AND RESPIRATORY INVOLVEMENT. Identifiers: MedGen C5231388, MONDO:0020793, OMIM 164310.
Amyotrophic lateral sclerosis 28 (ALS28). Identifiers: MedGen C5830642, MONDO:0957538, OMIM 620452.

Allele frequency attached by ClinVar (database versions not stated): ExAC 0.00017; gnomAD 0.00019; gnomAD exomes 0.00019; TOPMed 0.00021; ESP Exome Variant Server 0.00038.
gnomAD v4.1: 323 of 1,614,036 alleles (0.02%); highest among the groups gnomAD compares: Non-Finnish European, 0.018%; 1 homozygote.

Submissions (2):

CeGaT Center for Human Genetics Tuebingen
Classification: Benign. Last evaluated: 2024-03-01. Review status: criteria provided, single submitter. Criteria: CeGaT Center For Human Genetics Tuebingen Variant Classification Criteria Version 2. Collection method: clinical testing. Allele origin: germline. Affected: yes. Observed: 1 variant allele.
Comment: LRP12: BS1, BS2

Department of Pathology and Laboratory Medicine, Sinai Health System
Classification: Uncertain significance for Oculopharyngodistal myopathy 1; Amyotrophic lateral sclerosis 28. Last evaluated: 2020-08-25. Review status: criteria provided, single submitter. Criteria: ACMG Guidelines, 2015. Collection method: research. Allele origin: germline.

NM_013437.5(LRP12):c.2384T>C (p.Leu795Pro)

Gene: LRP12 (LDL receptor related protein 12; minus strand). Cytogenetic location: 8q22.3.
Variant type: single nucleotide variant.
Coding change: c.2384T>C on transcript NM_013437.5 (MANE Select); coding-DNA position 2384, T replaced by C.
Protein change: p.Leu795Pro; replaces leucine 795 with proline.
Molecular consequence: missense variant.
Genome position (GRCh38, 1-based): chr8:104,490,869, A>G on the plus strand (T>C on the coding strand, the complement: LRP12 is on the minus strand). VCF-style: chr8-104490869-A-G. GRCh37 (hg19) VCF-style: chr8-105503097-A-G.
Other names: c.2327T>C, p.Leu776Pro (NM_001135703.3); short protein forms L776P, L795P.
Identifiers: ClinVar variation 3067250 (VCV003067250.22), dbSNP rs142053596, ClinGen allele CA4838733.